The following is an entry in ClinVar:

ClinVar aggregate classification (germline): Uncertain significance (1 of 4 stars; one submission).

Conditions:
Primary hyperoxaluria, type I (HP1). Also called: OXALOSIS I; Primary hyperoxaluria type 1; GLYCOLIC ACIDURIA; HEPATIC AGT DEFICIENCY. Identifiers: Orphanet 416, Orphanet 93598, MedGen C0268164, MONDO:0009823, OMIM 259900. Disease mechanism: loss of function.

Submission:

Myriad Genetics, Inc.
Classification: Uncertain significance for Primary hyperoxaluria, type I. Last evaluated: 2026-04-27. Review status: criteria provided, single submitter. Criteria: Myriad Autosomal Dominant, Autosomal Recessive and X-Linked Classification Criteria (2023). Collection method: clinical testing. Allele origin: unknown.
Comment: NM_000030.2(AGXT):c.669T>A(S223R) is a missense variant classified as a variant of uncertain significance in the context of primary hyperoxaluria type 1. S223R has been observed in a case with relevant disease (PMID: 30787879). Relevant functional assessments of this variant are not available in the literature. S223R has not been observed in referenced population frequency databases. In summary, there is insufficient evidence to classify NM_000030.2(AGXT):c.669T>A(S223R) as pathogenic or benign. Please note: this variant was assessed in the context of healthy population screening.

Literature cited by the submitters: PubMed 30787879.

NM_000030.3(AGXT):c.669T>A (p.Ser223Arg)

Gene: AGXT (alanine--glyoxylate aminotransferase; plus strand). Cytogenetic location: 2q37.3.
Variant type: single nucleotide variant.
Coding change: c.669T>A on transcript NM_000030.3 (MANE Select); coding-DNA position 669, T replaced by A.
Protein change: p.Ser223Arg; replaces serine 223 with arginine.
Molecular consequence: missense variant.
Genome position (GRCh38, 1-based): chr2:240,874,051, T>A. VCF-style: chr2-240874051-T-A. GRCh37 (hg19) VCF-style: chr2-241813468-T-A.
Other names: short protein forms S223R.
Identifiers: ClinVar variation 5003314 (VCV005003314.1).